The following is an entry in ClinVar:

ClinVar aggregate classification (germline): Uncertain significance (1 of 4 stars; one submission).

Allele frequency attached by ClinVar (database versions not stated): TOPMed below 0.00001; gnomAD 0.00001.
gnomAD v4.1: 7 of 1,614,122 alleles (0.00043%); highest among the groups gnomAD compares: Middle Eastern, 0.082%; no homozygotes.

Submission:

Labcorp Genetics (formerly Invitae), Labcorp
Classification: Uncertain significance. Last evaluated: 2023-08-10. Review status: criteria provided, single submitter. Criteria: Invitae Variant Classification Sherloc (09022015). Collection method: clinical testing. Allele origin: germline.
Comment: This sequence change replaces aspartic acid, which is acidic and polar, with asparagine, which is neutral and polar, at codon 449 of the ANKZF1 protein (p.Asp449Asn). This variant is present in population databases (no rsID available, gnomAD no frequency). This variant has not been reported in the literature in individuals affected with ANKZF1-related conditions. An algorithm developed to predict the effect of missense changes on protein structure and function (PolyPhen-2) suggests that this variant is likely to be tolerated. In summary, the available evidence is currently insufficient to determine the role of this variant in disease. Therefore, it has been classified as a Variant of Uncertain Significance.

NM_018089.3(ANKZF1):c.1345G>A (p.Asp449Asn)

Gene: ANKZF1 (ankyrin repeat and zinc finger peptidyl tRNA hydrolase 1; plus strand). Cytogenetic location: 2q35.
Variant type: single nucleotide variant.
Coding change: c.1345G>A on transcript NM_018089.3 (MANE Select); coding-DNA position 1345, G replaced by A.
Protein change: p.Asp449Asn; replaces aspartic acid 449 with asparagine.
Molecular consequence: missense variant.
Genome position (GRCh38, 1-based): chr2:219,234,966, G>A. VCF-style: chr2-219234966-G-A. GRCh37 (hg19) VCF-style: chr2-220099688-G-A.
Other names: c.1345G>A, p.Asp449Asn (NM_001042410.2); c.715G>A, p.Asp239Asn (NM_001282792.2); short protein forms D239N, D449N.
Identifiers: ClinVar variation 2994551 (VCV002994551.3), dbSNP rs1211821238, ClinGen allele CA350680590.